The following is an entry in ClinVar:

NM_001323289.2(CDKL5):c.146-7A>G

Gene: CDKL5 (cyclin dependent kinase like 5; plus strand). Cytogenetic location: Xp22.13.
Variant type: single nucleotide variant.
Coding change: c.146-7A>G on transcript NM_001323289.2 (MANE Select); 7 bases into the intron before coding-DNA position 146, A replaced by G.
Molecular consequence: intron variant.
Genome position (GRCh38, 1-based): chrX:18,575,347, A>G. VCF-style: chrX-18575347-A-G. GRCh37 (hg19) VCF-style: chrX-18593467-A-G.
Other names: c.146-7A>G (NM_003159.2, NM_003159.3, NM_001037343.2).
Identifiers: ClinVar variation 2928529 (VCV002928529.4), dbSNP rs2518844516, ClinGen allele CA2740092038.
Genomic context (GRCh38, chrX:18,575,347, plus strand): 5'-TTGGAATTCTTTGAATAGTAGCTTGAAAGTTTTCATTTTAGTCTCTTCACCATTGTTTAC[A>G]TTCTAGAAAATGAAGAAGTCAAAGAAACGACTTTACGAGAGCTTAAAATGCTTCGGACTC-3'

ClinVar aggregate classification (germline): Likely benign. Review status: criteria provided, single submitter (1 of 4 stars). 2 submissions from 2 submitters: Likely benign (1). 1 of the submissions does not count toward it. Last evaluated 2023-05-20.

Conditions:
CDKL5-related disorder.
Developmental and epileptic encephalopathy, 2 (DEE2). Also called: INFANTILE SPASM SYNDROME, X-LINKED 2; CDKL5 deficiency disorder. Identifiers: Orphanet 1934, Orphanet 3451, Orphanet 505652, MedGen C4750718, MONDO:0010396, OMIM 300672.
Angelman syndrome-like. Identifiers: MedGen CN128785.

Submissions (2):

Labcorp Genetics (formerly Invitae), Labcorp
Classification: Likely benign for Developmental and epileptic encephalopathy, 2; Angelman syndrome-like. Last evaluated: 2023-05-20. Review status: criteria provided, single submitter. Criteria: Invitae Variant Classification Sherloc (09022015). Collection method: clinical testing. Allele origin: germline.

PreventionGenetics, part of Exact Sciences
Classification: Likely benign for CDKL5-related condition. Last evaluated: 2024-03-15. Review status: no assertion criteria provided. Collection method: clinical testing. Allele origin: germline. Not counted in ClinVar's aggregate classification.
Comment: This variant is classified as likely benign based on ACMG/AMP sequence variant interpretation guidelines (Richards et al. 2015 PMID: 25741868, with internal and published modifications).